The following is an entry in ClinVar:

ClinVar aggregate classification (germline): Uncertain significance (1 of 4 stars; one submission).

Allele frequency attached by ClinVar (database versions not stated): TOPMed 0.00001.
gnomAD v4.1: 2 of 1,608,962 alleles (0.00012%); highest among the groups gnomAD compares: Admixed American, 0.0034%; no homozygotes.

Submission:

Labcorp Genetics (formerly Invitae), Labcorp
Classification: Uncertain significance. Last evaluated: 2024-01-11. Review status: criteria provided, single submitter. Criteria: Invitae Variant Classification Sherloc (09022015). Collection method: clinical testing. Allele origin: germline.
Comment: This sequence change replaces cysteine, which is neutral and slightly polar, with arginine, which is basic and polar, at codon 178 of the FBN3 protein (p.Cys178Arg). This variant is present in population databases (no rsID available, gnomAD 0.006%). This variant has not been reported in the literature in individuals affected with FBN3-related conditions. ClinVar contains an entry for this variant (Variation ID: 2167913). An algorithm developed to predict the effect of missense changes on protein structure and function (PolyPhen-2) suggests that this variant is likely to be disruptive. In summary, the available evidence is currently insufficient to determine the role of this variant in disease. Therefore, it has been classified as a Variant of Uncertain Significance.

NM_032447.5(FBN3):c.532T>C (p.Cys178Arg)

Gene: FBN3 (fibrillin 3; minus strand). Cytogenetic location: 19p13.2.
Variant type: single nucleotide variant.
Coding change: c.532T>C on transcript NM_032447.5 (MANE Select); coding-DNA position 532, T replaced by C.
Protein change: p.Cys178Arg; replaces cysteine 178 with arginine.
Molecular consequence: missense variant.
Genome position (GRCh38, 1-based): chr19:8,144,886, A>G on the plus strand (T>C on the coding strand, the complement: FBN3 is on the minus strand). VCF-style: chr19-8144886-A-G. GRCh37 (hg19) VCF-style: chr19-8209770-A-G.
Other names: c.532T>C, p.Cys178Arg (NM_001321431.2); short protein forms C178R.
Identifiers: ClinVar variation 2167913 (VCV002167913.4), dbSNP rs1474406968, ClinGen allele CA403723439.
Genomic context (GRCh38, chr19:8,144,886, plus strand): 5'-CTTTCCTCCATCGAGTCCCCTGTCTACCTCCCACCCGCGCATGCTTGGTACCTCTCTCAC[A>G]TTGAGGTCCCATGAAGCCATACACACAGGCGCAGCGGTTGGGCCCAATGCAGCGACCCCC-3'
Protein context (NP_115823.3, residues 168-188): ACVYGFMGPQ[Cys178Arg]ERDYRTGPCF